The following is an entry in ClinVar:

NM_004958.4(MTOR):c.7235A>G (p.Asp2412Gly)

Gene: MTOR (mechanistic target of rapamycin kinase; minus strand). Cytogenetic location: 1p36.22.
Variant type: single nucleotide variant.
Coding change: c.7235A>G on transcript NM_004958.4 (MANE Select); coding-DNA position 7235, A replaced by G.
Protein change: p.Asp2412Gly; replaces aspartic acid 2412 with glycine.
Molecular consequence: missense variant.
Genome position (GRCh38, 1-based): chr1:11,114,383, T>C on the plus strand (A>G on the coding strand, the complement: MTOR is on the minus strand). VCF-style: chr1-11114383-T-C. GRCh37 (hg19) VCF-style: chr1-11174440-T-C.
Other names: c.7235A>G, p.Asp2412Gly (NM_001386500.1); c.5987A>G, p.Asp1996Gly (NM_001386501.1); short protein forms D2412G, D1996G.
Identifiers: ClinVar variation 2702484 (VCV002702484.3), dbSNP rs2100315844, ClinGen allele CA338381005.

ClinVar aggregate classification (germline): Uncertain significance (1 of 4 stars; one submission).

Submission:

Labcorp Genetics (formerly Invitae), Labcorp
Classification: Uncertain significance. Last evaluated: 2023-12-12. Review status: criteria provided, single submitter. Criteria: Invitae Variant Classification Sherloc (09022015). Collection method: clinical testing. Allele origin: germline.
Comment: This sequence change replaces aspartic acid, which is acidic and polar, with glycine, which is neutral and non-polar, at codon 2412 of the MTOR protein (p.Asp2412Gly). This variant is not present in population databases (gnomAD no frequency). This variant has not been reported in the literature in individuals affected with MTOR-related conditions. Advanced modeling of protein sequence and biophysical properties (such as structural, functional, and spatial information, amino acid conservation, physicochemical variation, residue mobility, and thermodynamic stability) has been performed at Invitae for this missense variant, however the output from this modeling did not meet the statistical confidence thresholds required to predict the impact of this variant on MTOR protein function. This variant disrupts the p.Asp2412 amino acid residue in MTOR. Other variant(s) that disrupt this residue have been determined to be pathogenic (PMID: 31053780, 36038305). This suggests that this residue is clinically significant, and that variants that disrupt this residue are likely to be disease-causing. In summary, the available evidence is currently insufficient to determine the role of this variant in disease. Therefore, it has been classified as a Variant of Uncertain Significance.

Literature cited by the submitters: PubMed 31053780; PubMed 36038305.